The following is an entry in ClinVar:

ClinVar aggregate classification (germline): Likely pathogenic. Review status: criteria provided, multiple submitters, no conflicts (2 of 4 stars). 2 submissions from 2 submitters: Likely pathogenic (2). Last evaluated 2025-07-31.

Conditions:
Joubert syndrome 21 (JBTS21). Identifiers: MedGen C3810212, MONDO:0014288, OMIM 615636.

Allele frequency attached by ClinVar (database versions not stated): gnomAD exomes below 0.00001.
gnomAD v4.1: 1 of 1,529,560 alleles (0.000065%); highest among the groups gnomAD compares: Middle Eastern, 0.017%; no homozygotes.

Submissions (2):

First Genomix Gene Laboratory, Genetic Diagnostics Department
Classification: Likely pathogenic for Joubert syndrome 21. Last evaluated: 2025-07-31. Review status: criteria provided, single submitter. Criteria: ACMG Guidelines, 2015. Collection method: clinical testing. Allele origin: germline. Inheritance: Autosomal recessive inheritance. Affected: no. Observed: 1 variant allele.

Labcorp Genetics (formerly Invitae), Labcorp
Classification: Likely pathogenic for Joubert syndrome 21. Last evaluated: 2020-11-23. Review status: criteria provided, single submitter. Criteria: Invitae Variant Classification Sherloc (09022015). Collection method: clinical testing. Allele origin: germline.
Comment: This sequence change affects a donor splice site in intron 7 of the CSPP1 gene. It is expected to disrupt RNA splicing. Variants that disrupt the donor or acceptor splice site typically lead to a loss of protein function (PMID: 16199547), and loss-of-function variants in CSPP1 are known to be pathogenic (PMID: 24360807, 24360808). This variant is not present in population databases (ExAC no frequency). This variant has not been reported in the literature in individuals with CSPP1-related conditions. Algorithms developed to predict the effect of sequence changes on RNA splicing suggest that this variant may disrupt the consensus splice site, but this prediction has not been confirmed by published transcriptional studies. In summary, the currently available evidence indicates that the variant is pathogenic, but additional data are needed to prove that conclusively. Therefore, this variant has been classified as Likely Pathogenic.

Literature cited by the submitters: PubMed 16199547 (cited by Labcorp Genetics (formerly Invitae), Labcorp); PubMed 24360807 (cited by Labcorp Genetics (formerly Invitae), Labcorp); PubMed 24360808 (cited by Labcorp Genetics (formerly Invitae), Labcorp).

NM_001382391.1(CSPP1):c.1022+1G>T

Gene: CSPP1 (centrosome and spindle pole associated protein 1; plus strand). Cytogenetic location: 8q13.2.
Variant type: single nucleotide variant.
Coding change: c.1022+1G>T on transcript NM_001382391.1 (MANE Select); the canonical splice donor site of the intron after coding-DNA position 1022, G replaced by T.
Molecular consequence: splice donor variant. On other transcripts: intron variant (2).
Genome position (GRCh38, 1-based): chr8:67,103,136, G>T. VCF-style: chr8-67103136-G-T. GRCh37 (hg19) VCF-style: chr8-68015371-G-T.
Other names: c.1022+1G>T (NM_001363132.2); c.941+1G>T (NM_001363131.2, NM_001363133.2); c.1130+1G>T (NM_001364869.1); c.1049+1G>T (NM_024790.7, NM_001438331.1, NM_001438330.1 and 1 more transcripts); c.951-2769G>T (NM_001364870.1); c.950+7404G>T (NM_001438332.1); c.167+1G>T (NM_001291339.2).
Identifiers: ClinVar variation 1507635 (VCV001507635.9), dbSNP rs2129547115, ClinGen allele CA371194062.